The following is an entry in ClinVar:

NM_016507.4(CDK12):c.563G>A (p.Arg188Gln)

Genes: CDK12 (cyclin dependent kinase 12; plus strand), LOC126862553 (CDK7 strongly-dependent group 2 enhancer GRCh37_chr17:37618166-37619365; plus strand). Cytogenetic location: 17q12.
Variant type: single nucleotide variant.
Coding change: c.563G>A on transcript NM_016507.4 (MANE Select); coding-DNA position 563, G replaced by A.
Protein change: p.Arg188Gln; replaces arginine 188 with glutamine.
Molecular consequence: missense variant.
Genome position (GRCh38, 1-based): chr17:39,462,634, G>A. VCF-style: chr17-39462634-G-A. GRCh37 (hg19) VCF-style: chr17-37618887-G-A.
Other names: c.563G>A, p.Arg188Gln (NM_015083.4); short protein forms R188Q.
Identifiers: ClinVar variation 3489396 (VCV003489396.1).

ClinVar aggregate classification (germline): Uncertain significance (1 of 4 stars; one submission).

Submission:

Ambry Genetics
Classification: Uncertain significance. Last evaluated: 2024-12-08. Review status: criteria provided, single submitter. Criteria: Ambry Variant Classification Scheme 2023. Collection method: clinical testing. Allele origin: germline.
Comment: The p.R188Q variant (also known as c.563G>A), located in coding exon 1 of the CDK12 gene, results from a G to A substitution at nucleotide position 563. The arginine at codon 188 is replaced by glutamine, an amino acid with highly similar properties. This amino acid position is conserved. In addition, this alteration is predicted to be tolerated by in silico analysis. Based on the available evidence, the clinical significance of this variant remains unclear.